The following is an entry in ClinVar:

NM_001199799.2(ILDR1):c.660C>T (p.His220=)

Gene: ILDR1 (immunoglobulin like domain containing receptor 1; minus strand). Cytogenetic location: 3q13.33.
Variant type: single nucleotide variant.
Coding change: c.660C>T on transcript NM_001199799.2 (MANE Select); coding-DNA position 660, C replaced by T.
Protein change: p.His220=; no amino-acid change (histidine 220 retained).
Molecular consequence: synonymous variant. On other transcripts: intron variant (1).
Genome position (GRCh38, 1-based): chr3:121,994,300, G>A on the plus strand (C>T on the coding strand, the complement: ILDR1 is on the minus strand). VCF-style: chr3-121994300-G-A. GRCh37 (hg19) VCF-style: chr3-121713147-G-A.
Other names: c.393C>T, p.His131= (NM_001199800.2); c.647-330C>T (NM_175924.4).
Identifiers: ClinVar variation 517185 (VCV000517185.12), dbSNP rs759965447, ClinGen allele CA2568863.

ClinVar aggregate classification (germline): Likely benign. Review status: criteria provided, multiple submitters, no conflicts (2 of 4 stars). 4 submissions from 4 submitters: Likely benign (4). Last evaluated 2024-02-17.

Allele frequency attached by ClinVar (database versions not stated): gnomAD exomes 0.00003 and 0.00017; TOPMed 0.00003; gnomAD 0.00005 and 0.00006; ExAC 0.00015.
gnomAD v4.1: 51 of 1,535,010 alleles (0.0033%); highest among the groups gnomAD compares: Admixed American, 0.024%; no homozygotes.

Submissions (4):

Labcorp Genetics (formerly Invitae), Labcorp
Classification: Likely benign. Last evaluated: 2024-02-17. Review status: criteria provided, single submitter. Criteria: Invitae Variant Classification Sherloc (09022015). Collection method: clinical testing. Allele origin: germline.

Blueprint Genetics
Classification: Likely benign. Last evaluated: 2023-08-25. Review status: criteria provided, single submitter. Criteria: ACMG Guidelines, 2015. Collection method: clinical testing. Allele origin: germline.

GeneDx
Classification: Likely benign. Last evaluated: 2019-07-31. Review status: criteria provided, single submitter. Criteria: GeneDx Variant Classification Process June 2021. Collection method: clinical testing. Allele origin: germline. Affected: yes.

Laboratory for Molecular Medicine, Mass General Brigham Personalized Medicine
Classification: Likely benign. Last evaluated: 2016-12-22. Review status: criteria provided, single submitter. Criteria: LMM Criteria. Collection method: clinical testing. Allele origin: germline. Observed: 1 variant allele.
Comment: p.His220His in exon 6 of ILDR1: This variant is not expected to have clinical si gnificance because it does not alter an amino acid residue and is not located wi thin the splice consensus sequence. It has been identified in 2/3642 European ch romosomes by the Exome Aggregation Consortium (ExAC. org; dbSNP rs759965447).